The following is an entry in ClinVar:

ClinVar aggregate classification (germline): Uncertain significance (1 of 4 stars; one submission).

Allele frequency attached by ClinVar (database versions not stated): gnomAD exomes below 0.00001; TOPMed below 0.00001.
gnomAD v4.1: 2 of 1,614,154 alleles (0.00012%); highest among the groups gnomAD compares: Non-Finnish European, 0.00017%; no homozygotes.

Submission:

Labcorp Genetics (formerly Invitae), Labcorp
Classification: Uncertain significance. Last evaluated: 2023-11-07. Review status: criteria provided, single submitter. Criteria: Invitae Variant Classification Sherloc (09022015). Collection method: clinical testing. Allele origin: germline.
Comment: This sequence change affects codon 654 of the KDM1A mRNA. It is a 'silent' change, meaning that it does not change the encoded amino acid sequence of the KDM1A protein. This variant is not present in population databases (gnomAD no frequency). This variant has not been reported in the literature in individuals affected with KDM1A-related conditions. Algorithms developed to predict the effect of sequence changes on RNA splicing suggest that this variant may disrupt the consensus splice site. In summary, the available evidence is currently insufficient to determine the role of this variant in disease. Therefore, it has been classified as a Variant of Uncertain Significance.

NM_001009999.3(KDM1A):c.1962G>A (p.Leu654=)

Gene: KDM1A (lysine demethylase 1A; plus strand). Cytogenetic location: 1p36.12.
Variant type: single nucleotide variant.
Coding change: c.1962G>A on transcript NM_001009999.3 (MANE Select); coding-DNA position 1962, G replaced by A.
Protein change: p.Leu654=; no amino-acid change (leucine 654 retained).
Molecular consequence: synonymous variant.
Genome position (GRCh38, 1-based): chr1:23,079,084, G>A. VCF-style: chr1-23079084-G-A. GRCh37 (hg19) VCF-style: chr1-23405577-G-A.
Other names: c.1908G>A, p.Leu636= (NM_001363654.2); c.1968G>A, p.Leu656= (NM_001410762.1); c.1890G>A, p.Leu630= (NM_001410763.1, NM_015013.4).
Identifiers: ClinVar variation 2772721 (VCV002772721.3), dbSNP rs1643546815, ClinGen allele CA416589202.